The following is an entry in ClinVar:

ClinVar aggregate classification (germline): Uncertain significance (1 of 4 stars; one submission).

Conditions:
Autosomal recessive mendelian susceptibility to mycobacterial diseases due to complete RORgamma receptor deficiency. Also called: Immunodeficiency 42. Identifiers: Orphanet 477857, MedGen C5567647, MONDO:0014710, OMIM 616622.

Allele frequency attached by ClinVar (database versions not stated): gnomAD exomes below 0.00001.
gnomAD v4.1: 2 of 1,614,108 alleles (0.00012%); highest among the groups gnomAD compares: Admixed American, 0.0017%; no homozygotes.

Submission:

Labcorp Genetics (formerly Invitae), Labcorp
Classification: Uncertain significance for Autosomal recessive mendelian susceptibility to mycobacterial diseases due to complete RORgamma receptor deficiency. Last evaluated: 2022-11-12. Review status: criteria provided, single submitter. Criteria: Invitae Variant Classification Sherloc (09022015). Collection method: clinical testing. Allele origin: germline.
Comment: This sequence change replaces glycine, which is neutral and non-polar, with alanine, which is neutral and non-polar, at codon 384 of the RORC protein (p.Gly384Ala). In summary, the available evidence is currently insufficient to determine the role of this variant in disease. Therefore, it has been classified as a Variant of Uncertain Significance. Algorithms developed to predict the effect of missense changes on protein structure and function (SIFT, PolyPhen-2, Align-GVGD) all suggest that this variant is likely to be tolerated. This variant has not been reported in the literature in individuals affected with RORC-related conditions. This variant is present in population databases (no rsID available, gnomAD 0.0009%).

NM_005060.4(RORC):c.1151G>C (p.Gly384Ala)

Gene: RORC (RAR related orphan receptor C; minus strand). Cytogenetic location: 1q21.3.
Variant type: single nucleotide variant.
Coding change: c.1151G>C on transcript NM_005060.4 (MANE Select); coding-DNA position 1151, G replaced by C.
Protein change: p.Gly384Ala; replaces glycine 384 with alanine.
Molecular consequence: missense variant.
Genome position (GRCh38, 1-based): chr1:151,813,262, C>G on the plus strand (G>C on the coding strand, the complement: RORC is on the minus strand). VCF-style: chr1-151813262-C-G. GRCh37 (hg19) VCF-style: chr1-151785738-C-G.
Other names: c.1088G>C, p.Gly363Ala (NM_001001523.2); short protein forms G384A, G363A.
Identifiers: ClinVar variation 2722464 (VCV002722464.2), dbSNP rs1443790515, ClinGen allele CA342011967.